The following is an entry in ClinVar:

ClinVar aggregate classification (germline): Uncertain significance (1 of 4 stars; one submission).

Conditions:
Hereditary cancer-predisposing syndrome. Also called: Hereditary Cancer Syndrome; Hereditary neoplastic syndrome; Neoplastic Syndromes, Hereditary; Tumor predisposition. Identifiers: Orphanet 140162, MedGen C0027672, MeSH D009386, MONDO:0015356.

Submission:

Ambry Genetics
Classification: Uncertain significance for Hereditary cancer-predisposing syndrome. Last evaluated: 2021-12-28. Review status: criteria provided, single submitter. Criteria: Ambry Variant Classification Scheme 2023. Collection method: clinical testing. Allele origin: germline.
Comment: The p.L15P variant (also known as c.44T>C), located in coding exon 1 of the PRKAR1A gene, results from a T to C substitution at nucleotide position 44. The leucine at codon 15 is replaced by proline, an amino acid with similar properties. This amino acid position is highly conserved in available vertebrate species. In addition, this alteration is predicted to be deleterious by in silico analysis. Since supporting evidence is limited at this time, the clinical significance of this alteration remains unclear.

NM_002734.5(PRKAR1A):c.44T>C (p.Leu15Pro)

Gene: PRKAR1A (protein kinase cAMP-dependent type I regulatory subunit alpha; plus strand). Cytogenetic location: 17q24.2.
Variant type: single nucleotide variant.
Coding change: c.44T>C on transcript NM_002734.5 (MANE Select); coding-DNA position 44, T replaced by C.
Protein change: p.Leu15Pro; replaces leucine 15 with proline.
Molecular consequence: missense variant.
Genome position (GRCh38, 1-based): chr17:68,515,443, T>C. VCF-style: chr17-68515443-T-C. GRCh37 (hg19) VCF-style: chr17-66511584-T-C.
Other names: c.44T>C, p.Leu15Pro (NM_001276289.2, NM_001276290.1, NM_001278433.2 and 4 more transcripts); short protein forms L15P.
Identifiers: ClinVar variation 1741043 (VCV001741043.2), dbSNP rs2509357685, ClinGen allele CA400751848.